The following is an entry in ClinVar:

NM_020778.5(ALPK3):c.3307C>G (p.Leu1103Val)

Gene: ALPK3 (alpha kinase 3; plus strand). Cytogenetic location: 15q25.3.
Variant type: single nucleotide variant.
Coding change: c.3307C>G on transcript NM_020778.5 (MANE Select); coding-DNA position 3307, C replaced by G.
Protein change: p.Leu1103Val; replaces leucine 1103 with valine.
Molecular consequence: missense variant.
Genome position (GRCh38, 1-based): chr15:84,858,045, C>G. VCF-style: chr15-84858045-C-G. GRCh37 (hg19) VCF-style: chr15-85401276-C-G.
Other names: short protein forms L1103V.
Identifiers: ClinVar variation 2107670 (VCV002107670.4), dbSNP rs1596155916, ClinGen allele CA393360007.

ClinVar aggregate classification (germline): Uncertain significance (1 of 4 stars; one submission).

Submission:

Labcorp Genetics (formerly Invitae), Labcorp
Classification: Uncertain significance. Last evaluated: 2022-03-08. Review status: criteria provided, single submitter. Criteria: Invitae Variant Classification Sherloc (09022015). Collection method: clinical testing. Allele origin: germline.
Comment: In summary, the available evidence is currently insufficient to determine the role of this variant in disease. Therefore, it has been classified as a Variant of Uncertain Significance. Algorithms developed to predict the effect of missense changes on protein structure and function are either unavailable or do not agree on the potential impact of this missense change (SIFT: "Deleterious"; PolyPhen-2: "Benign"; Align-GVGD: "Class C0"). This variant has not been reported in the literature in individuals affected with ALPK3-related conditions. This variant is not present in population databases (gnomAD no frequency). This sequence change replaces leucine, which is neutral and non-polar, with valine, which is neutral and non-polar, at codon 1305 of the ALPK3 protein (p.Leu1305Val).